The following is an entry in ClinVar:

ClinVar aggregate classification (germline): Uncertain significance. Review status: criteria provided, multiple submitters, no conflicts (2 of 4 stars). 2 submissions from 2 submitters: Uncertain significance (2). Last evaluated 2024-06-06.

Conditions:
Dilated cardiomyopathy 1HH (CMD1HH). Identifiers: Orphanet 154, MedGen C3151293, MONDO:0013479, OMIM 613881.
Myofibrillar myopathy 6. Identifiers: Orphanet 199340, MedGen C2751831, MONDO:0013061, OMIM 612954.

Submissions (2):

Mayo Clinic Laboratories, Mayo Clinic
Classification: Uncertain significance. Last evaluated: 2024-06-06. Review status: criteria provided, single submitter. Criteria: ACMG Guidelines, 2015. Collection method: clinical testing. Allele origin: germline. Observed: 1 variant allele.

Labcorp Genetics (formerly Invitae), Labcorp
Classification: Uncertain significance for Dilated cardiomyopathy 1HH; Myofibrillar myopathy 6. Last evaluated: 2023-11-13. Review status: criteria provided, single submitter. Criteria: Invitae Variant Classification Sherloc (09022015). Collection method: clinical testing. Allele origin: germline.
Comment: This variant, c.1155_1157dup, results in the insertion of 1 amino acid(s) of the BAG3 protein (p.Ser386dup), but otherwise preserves the integrity of the reading frame. This variant is present in population databases (rs751357335, gnomAD 0.0009%). This variant has not been reported in the literature in individuals affected with BAG3-related conditions. ClinVar contains an entry for this variant (Variation ID: 1353126). Experimental studies and prediction algorithms are not available or were not evaluated, and the functional significance of this variant is currently unknown. In summary, the available evidence is currently insufficient to determine the role of this variant in disease. Therefore, it has been classified as a Variant of Uncertain Significance.

NM_004281.4(BAG3):c.1155_1157dup (p.Ser386dup)

Gene: BAG3 (BAG cochaperone 3; plus strand). Cytogenetic location: 10q26.11.
Variant type: Duplication.
Coding change: c.1155_1157dup on transcript NM_004281.4 (MANE Select); coding-DNA positions 1155 to 1157, 3 bases duplicated (TTC; older notation c.1155_1157dupTTC).
Protein change: p.Ser386dup; duplicates serine 386.
Molecular consequence: inframe insertion.
Genome position (GRCh38, 1-based): chr10:119,676,709-119,676,711, TTC duplicated; duplicating any 3 consecutive bases within chr10:119,676,707-119,676,711 gives the same sequence; the c. name uses the placement nearest the transcript's 3' end. VCF-style (leftmost placement, unchanged base first): chr10-119676706-C-CTCT. GRCh37 (hg19) VCF-style: chr10-121436218-C-CTCT.
Other names: p.Ser386dup; c.1155_1157dup (NM_004281.3).
Identifiers: ClinVar variation 1353126 (VCV001353126.9), dbSNP rs751357335, ClinGen allele CA5716497.